The following is an entry in ClinVar:

NM_001134363.3(RBM20):c.2048G>C (p.Arg683Thr)

Gene: RBM20 (RNA binding motif protein 20; plus strand). Cytogenetic location: 10q25.2.
Variant type: single nucleotide variant.
Coding change: c.2048G>C on transcript NM_001134363.3 (MANE Select); coding-DNA position 2048, G replaced by C.
Protein change: p.Arg683Thr; replaces arginine 683 with threonine.
Molecular consequence: missense variant.
Genome position (GRCh38, 1-based): chr10:110,812,445, G>C. VCF-style: chr10-110812445-G-C. GRCh37 (hg19) VCF-style: chr10-112572203-G-C.
Other names: short protein forms R683T.
Identifiers: ClinVar variation 3364054 (VCV003364054.1).

ClinVar aggregate classification (germline): Uncertain significance (1 of 4 stars; one submission).

Submission:

GeneDx
Classification: Uncertain significance. Last evaluated: 2023-11-08. Review status: criteria provided, single submitter. Criteria: GeneDx Variant Classification Process June 2021. Collection method: clinical testing. Allele origin: germline. Affected: yes.
Comment: Not observed at significant frequency in large population cohorts (gnomAD); In silico analysis supports that this missense variant has a deleterious effect on protein structure/function; Has not been previously published as pathogenic or benign to our knowledge